The following is an entry in ClinVar:

NM_022482.5(GZF1):c.223A>T (p.Thr75Ser)

Gene: GZF1 (GDNF inducible zinc finger protein 1; plus strand). Cytogenetic location: 20p11.21.
Variant type: single nucleotide variant.
Coding change: c.223A>T on transcript NM_022482.5 (MANE Select); coding-DNA position 223, A replaced by T.
Protein change: p.Thr75Ser; replaces threonine 75 with serine.
Molecular consequence: missense variant.
Genome position (GRCh38, 1-based): chr20:23,364,606, A>T. VCF-style: chr20-23364606-A-T. GRCh37 (hg19) VCF-style: chr20-23345243-A-T.
Other names: c.223A>T (NM_022482.4); c.223A>T, p.Thr75Ser (NM_001317012.2, NM_001317019.1); short protein forms T75S.
Identifiers: ClinVar variation 1632682 (VCV001632682.11), dbSNP rs138988702, ClinGen allele CA9788482.
Genomic context (GRCh38, chr20:23,364,606, plus strand): 5'-GCCACCAGCAAGTTTTTTAAGGAAGTGTTCCTTAATGAGAAGAGTGTGGATGGTACTAGG[A>T]CTAATGTCTACTTAAATGAAGTGCAGGTTGCTGACTTTGCTTCATTTCTTGAGTTTGTCT-3'
Protein context (NP_071927.1, residues 65-85): LNEKSVDGTR[Thr75Ser]NVYLNEVQVA

ClinVar aggregate classification (germline): Likely benign. Review status: criteria provided, multiple submitters, no conflicts (2 of 4 stars). 3 submissions from 3 submitters: Likely benign (3). Last evaluated 2026-05-01.

Conditions:
GZF1-related disorder. Also called: GZF1-related condition.

Allele frequency attached by ClinVar (database versions not stated): 1000 Genomes Project 30x 0.00016; 1000 Genomes Project 0.00020; TOPMed 0.00030; gnomAD 0.00031 and 0.00038; ESP Exome Variant Server 0.00069; gnomAD exomes 0.00074 and 0.00088; ExAC 0.00081.

Submissions (3):

CeGaT Center for Human Genetics Tuebingen
Classification: Likely benign. Last evaluated: 2026-05-01. Review status: criteria provided, single submitter. Criteria: CeGaT Center For Human Genetics Tuebingen Variant Classification Criteria Version 2. Collection method: clinical testing. Allele origin: germline. Affected: yes. Observed: 1 variant allele.
Comment: GZF1: BP4, BS2

Labcorp Genetics (formerly Invitae), Labcorp
Classification: Likely benign. Last evaluated: 2025-10-14. Review status: criteria provided, single submitter. Criteria: Invitae Variant Classification Sherloc (09022015). Collection method: clinical testing. Allele origin: germline.

PreventionGenetics, part of Exact Sciences
Classification: Likely benign for GZF1-related condition. Last evaluated: 2024-11-29. Review status: criteria provided, single submitter. Criteria: ACMG Guidelines, 2015. Collection method: clinical testing. Allele origin: germline.
Comment: This variant is classified as likely benign based on ACMG/AMP sequence variant interpretation guidelines (Richards et al. 2015 PMID: 25741868, with internal and published modifications).